The following is an entry in ClinVar:

ClinVar aggregate classification (germline): Uncertain significance (1 of 4 stars; one submission).

Conditions:
Ullrich congenital muscular dystrophy 2 (UCMD2). Identifiers: Orphanet 75840, MedGen C4225314, MONDO:0014654, OMIM 616470.
Bethlem myopathy 2 (BTHLM2). Identifiers: Orphanet 536516, Orphanet 610, MedGen C4225313, MONDO:0034022, OMIM 616471.

gnomAD v4.1: 1 of 1,613,940 alleles (0.000062%); highest among the groups gnomAD compares: South Asian, 0.0011%; no homozygotes.

Submission:

Labcorp Genetics (formerly Invitae), Labcorp
Classification: Uncertain significance for Bethlem myopathy 2; Ullrich congenital muscular dystrophy 2. Last evaluated: 2023-08-17. Review status: criteria provided, single submitter. Criteria: Invitae Variant Classification Sherloc (09022015). Collection method: clinical testing. Allele origin: germline.
Comment: ClinVar contains an entry for this variant (Variation ID: 1038091). In summary, the available evidence is currently insufficient to determine the role of this variant in disease. Therefore, it has been classified as a Variant of Uncertain Significance. Advanced modeling of protein sequence and biophysical properties (such as structural, functional, and spatial information, amino acid conservation, physicochemical variation, residue mobility, and thermodynamic stability) performed at Invitae indicates that this missense variant is not expected to disrupt COL12A1 protein function. This variant has not been reported in the literature in individuals affected with COL12A1-related conditions. This variant is not present in population databases (gnomAD no frequency). This sequence change replaces alanine, which is neutral and non-polar, with serine, which is neutral and polar, at codon 670 of the COL12A1 protein (p.Ala670Ser).

NM_004370.6(COL12A1):c.2008G>T (p.Ala670Ser)

Gene: COL12A1 (collagen type XII alpha 1 chain; minus strand). Cytogenetic location: 6q13.
Variant type: single nucleotide variant.
Coding change: c.2008G>T on transcript NM_004370.6 (MANE Select); coding-DNA position 2008, G replaced by T.
Protein change: p.Ala670Ser; replaces alanine 670 with serine.
Molecular consequence: missense variant. On other transcripts: intron variant (1).
Genome position (GRCh38, 1-based): chr6:75,181,095, C>A on the plus strand (G>T on the coding strand, the complement: COL12A1 is on the minus strand). VCF-style: chr6-75181095-C-A. GRCh37 (hg19) VCF-style: chr6-75890811-C-A.
Other names: c.73+21625G>T (NM_080645.3); short protein forms A670S.
Identifiers: ClinVar variation 1038091 (VCV001038091.9), dbSNP rs1769255982, ClinGen allele CA364767148.